The following is an entry in ClinVar:

NM_181332.3(NLGN4X):c.2297G>A (p.Arg766Gln)

Gene: NLGN4X (neuroligin 4 X-linked; minus strand). Cytogenetic location: Xp22.32.
Variant type: single nucleotide variant.
Coding change: c.2297G>A on transcript NM_181332.3 (MANE Select); coding-DNA position 2297, G replaced by A.
Protein change: p.Arg766Gln; replaces arginine 766 with glutamine.
Molecular consequence: missense variant.
Genome position (GRCh38, 1-based): chrX:5,892,971, C>T on the plus strand (G>A on the coding strand, the complement: NLGN4X is on the minus strand). VCF-style: chrX-5892971-C-T. GRCh37 (hg19) VCF-style: chrX-5811012-C-T.
Other names: c.2297G>A (NM_020742.2); c.2297G>A, p.Arg766Gln (NM_001282145.2, NM_001282146.2, NM_020742.4); short protein forms R766Q.
Identifiers: ClinVar variation 810495 (VCV000810495.43), dbSNP rs1445553567, ClinGen allele CA412012559.

ClinVar aggregate classification (germline): Uncertain significance. Review status: criteria provided, multiple submitters, no conflicts (2 of 4 stars). 2 submissions from 2 submitters: Uncertain significance (2). Last evaluated 2026-02-08.

Allele frequency attached by ClinVar (database versions not stated): gnomAD 0.00001; gnomAD exomes below 0.00001; TOPMed below 0.00001.
gnomAD v4.1: 3 of 1,209,322 alleles (0.00025%); highest among the groups gnomAD compares: Non-Finnish European, 0.00034%; no homozygotes.

Submissions (2):

GeneDx
Classification: Uncertain significance. Last evaluated: 2026-02-08. Review status: criteria provided, single submitter. Criteria: GeneDx Variant Classification Process June 2021. Collection method: clinical testing. Allele origin: germline.
Comment: In silico analysis supports that this missense variant has a deleterious effect on protein structure/function; Not observed at significant frequency in large population cohorts (gnomAD); This variant is associated with the following publications: (PMID: 23352163)

CeGaT Center for Human Genetics Tuebingen
Classification: Uncertain significance. Last evaluated: 2016-10-01. Review status: criteria provided, single submitter. Criteria: CeGaT Center For Human Genetics Tuebingen Variant Classification Criteria Version 2. Collection method: clinical testing. Allele origin: germline. Affected: yes. Observed: 1 variant allele.